The following is an entry in ClinVar:

NM_000202.8(IDS):c.1046G>T (p.Ser349Ile)

Genes: IDS (iduronate 2-sulfatase; minus strand), LOC106050102 (IDS recombination region; plus strand). Cytogenetic location: Xq28.
Variant type: single nucleotide variant.
Coding change: c.1046G>T on transcript NM_000202.8 (MANE Select); coding-DNA position 1046, G replaced by T.
Protein change: p.Ser349Ile; replaces serine 349 with isoleucine.
Molecular consequence: missense variant.
Genome position (GRCh38, 1-based): chrX:149,487,059, C>A on the plus strand (G>T on the coding strand, the complement: IDS is on the minus strand). VCF-style: chrX-149487059-C-A. GRCh37 (hg19) VCF-style: chrX-148568590-C-A.
Other names: c.776G>T, p.Ser259Ile (NM_001166550.4); short protein forms S259I, S349I.
Identifiers: ClinVar variation 3255949 (VCV003255949.2).

ClinVar aggregate classification (germline): Pathogenic (1 of 4 stars; one submission).

Conditions:
Mucopolysaccharidosis, MPS-II (MPS2). Also called: Hunter Syndrome; IDURONATE 2-SULFATASE DEFICIENCY; Mucopolysaccharidosis Type II; Mucopolysaccharidosis type 2; Attenuated MPS (subtype; formerly known as mild MPS II); Severe MPS II. Identifiers: Orphanet 580, Orphanet 79388, MedGen C0026705, MONDO:0010674, OMIM 309900.

Submission:

Laboratory of Diagnosis and Therapy of Lysosomal Disorders, University of Padova
Classification: Pathogenic for Mucopolysaccharidosis, MPS-II. Last evaluated: 2024-06-07. Review status: criteria provided, single submitter. Criteria: ACMG Guidelines, 2015. Collection method: literature only. Allele origin: germline. Affected: yes. Observed: 2 variant alleles.
Comment: In vitro or in vivo functional studies supportive of a damaging effect (PS3_Strong), Absent from controls (or at low frequency) in gnomAD database (PM2_Moderate), Missense variant in a gene with a low rate of benign missense variation (PP2_Supporting), Multiple lines of computational evidence support a deleterious effect (PP3_Supporting), Patient’s phenotype or family history highly specific for the disease (PP4_Strong)

Classification method: ACMG Guidelines [PMID:25741868] with modifications

Literature cited by the submitters: PubMed 9452044; PubMed 9501270.